The following is an entry in ClinVar:

ClinVar aggregate classification (germline): Uncertain significance (1 of 4 stars; one submission).

Conditions:
Lysinuric protein intolerance (LPI). Identifiers: Orphanet 470, MedGen C0268647, MONDO:0009109, OMIM 222700.

Allele frequency attached by ClinVar (database versions not stated): gnomAD 0.00001; gnomAD exomes 0.00002; TOPMed 0.00002; ExAC 0.00005.
gnomAD v4.1: 14 of 1,614,130 alleles (0.00087%); highest among the groups gnomAD compares: Admixed American, 0.023%; no homozygotes.

Submission:

Labcorp Genetics (formerly Invitae), Labcorp
Classification: Uncertain significance for Lysinuric protein intolerance. Last evaluated: 2022-06-30. Review status: criteria provided, single submitter. Criteria: Invitae Variant Classification Sherloc (09022015). Collection method: clinical testing. Allele origin: germline.
Comment: This sequence change replaces leucine, which is neutral and non-polar, with proline, which is neutral and non-polar, at codon 285 of the SLC7A7 protein (p.Leu285Pro). This variant is present in population databases (rs753560317, gnomAD 0.03%). This variant has not been reported in the literature in individuals affected with SLC7A7-related conditions. Algorithms developed to predict the effect of missense changes on protein structure and function (SIFT, PolyPhen-2, Align-GVGD) all suggest that this variant is likely to be disruptive. In summary, the available evidence is currently insufficient to determine the role of this variant in disease. Therefore, it has been classified as a Variant of Uncertain Significance.

NM_003982.4(SLC7A7):c.854T>C (p.Leu285Pro)

Gene: SLC7A7 (solute carrier family 7 member 7; minus strand). Cytogenetic location: 14q11.2.
Variant type: single nucleotide variant.
Coding change: c.854T>C on transcript NM_003982.4 (MANE Select); coding-DNA position 854, T replaced by C.
Protein change: p.Leu285Pro; replaces leucine 285 with proline.
Molecular consequence: missense variant.
Genome position (GRCh38, 1-based): chr14:22,776,235, A>G on the plus strand (T>C on the coding strand, the complement: SLC7A7 is on the minus strand). VCF-style: chr14-22776235-A-G. GRCh37 (hg19) VCF-style: chr14-23245444-A-G.
Other names: c.854T>C, p.Leu285Pro (NM_001126105.3, NM_001126106.4); short protein forms L285P.
Identifiers: ClinVar variation 2149643 (VCV002149643.1), dbSNP rs753560317, ClinGen allele CA7104574.
Genomic context (GRCh38, chr14:22,776,235, plus strand): 5'-TGCTAGTGAAAATCCTTTACCACAGCAACAGCATCACTGGCCAAGATGTCTCTCATGTCT[A>G]GCACAGTATAATAGGCCACATTGGTCAAGATATAGATGATGGTGACAATGGGCATGGAGA-3'
Protein context (NP_003973.3, residues 275-295): ILTNVAYYTV[Leu285Pro]DMRDILASDA